The following is an entry in ClinVar:

NM_001040108.2(MLH3):c.2734T>G (p.Cys912Gly)

Gene: MLH3 (mutL homolog 3; minus strand). Cytogenetic location: 14q24.3.
Variant type: single nucleotide variant.
Coding change: c.2734T>G on transcript NM_001040108.2 (MANE Select); coding-DNA position 2734, T replaced by G.
Protein change: p.Cys912Gly; replaces cysteine 912 with glycine.
Molecular consequence: missense variant.
Genome position (GRCh38, 1-based): chr14:75,046,922, A>C on the plus strand (T>G on the coding strand, the complement: MLH3 is on the minus strand). VCF-style: chr14-75046922-A-C. GRCh37 (hg19) VCF-style: chr14-75513625-A-C.
Other names: c.2734T>G, p.Cys912Gly (NM_014381.3); short protein forms C912G.
Identifiers: ClinVar variation 4108620 (VCV004108620.1).

ClinVar aggregate classification (germline): Uncertain significance (1 of 4 stars; one submission).

Submission:

Ambry Genetics
Classification: Uncertain significance. Last evaluated: 2025-06-21. Review status: criteria provided, single submitter. Criteria: Ambry Variant Classification Scheme 2023. Collection method: clinical testing. Allele origin: germline.
Comment: The p.C912G variant (also known as c.2734T>G), located in coding exon 1 of the MLH3 gene, results from a T to G substitution at nucleotide position 2734. The cysteine at codon 912 is replaced by glycine, an amino acid with highly dissimilar properties. This amino acid position is conserved. In addition, this alteration is predicted to be tolerated by in silico analysis. Based on the available evidence, the clinical significance of this variant remains unclear.